The following is an entry in ClinVar:

ClinVar aggregate classification (germline): Uncertain significance (1 of 4 stars; one submission).

Conditions:
Primary ciliary dyskinesia. Also called: Ciliary dyskinesia. Identifiers: Orphanet 244, MedGen C0008780, MONDO:0016575, HP:0012265.

gnomAD v4.1: 2 of 1,610,970 alleles (0.00012%); highest among the groups gnomAD compares: Non-Finnish European, 0.00017%; no homozygotes.

Submission:

Labcorp Genetics (formerly Invitae), Labcorp
Classification: Uncertain significance for Primary ciliary dyskinesia. Last evaluated: 2024-09-22. Review status: criteria provided, single submitter. Criteria: Invitae Variant Classification Sherloc (09022015). Collection method: clinical testing. Allele origin: germline.
Comment: This sequence change replaces aspartic acid, which is acidic and polar, with glycine, which is neutral and non-polar, at codon 889 of the DNAH5 protein (p.Asp889Gly). This variant is not present in population databases (gnomAD no frequency). This variant has not been reported in the literature in individuals affected with DNAH5-related conditions. Invitae Evidence Modeling of protein sequence and biophysical properties (such as structural, functional, and spatial information, amino acid conservation, physicochemical variation, residue mobility, and thermodynamic stability) indicates that this missense variant is not expected to disrupt DNAH5 protein function with a negative predictive value of 95%. Algorithms developed to predict the effect of sequence changes on RNA splicing suggest that this variant may disrupt the consensus splice site. In summary, the available evidence is currently insufficient to determine the role of this variant in disease. Therefore, it has been classified as a Variant of Uncertain Significance.

NM_001369.3(DNAH5):c.2666A>G (p.Asp889Gly)

Genes: DNAH5 (dynein axonemal heavy chain 5; minus strand), DNAH5-AS1 (DNAH5 antisense RNA 1; plus strand). Cytogenetic location: 5p15.2.
Variant type: single nucleotide variant.
Coding change: c.2666A>G on transcript NM_001369.3 (MANE Select); coding-DNA position 2666, A replaced by G.
Protein change: p.Asp889Gly; replaces aspartic acid 889 with glycine.
Molecular consequence: missense variant.
Genome position (GRCh38, 1-based): chr5:13,886,041, T>C on the plus strand (A>G on the coding strand, the complement: DNAH5 is on the minus strand). VCF-style: chr5-13886041-T-C. GRCh37 (hg19) VCF-style: chr5-13886150-T-C.
Other names: short protein forms D889G.
Identifiers: ClinVar variation 3634115 (VCV003634115.2).